The following is an entry in ClinVar:

ClinVar aggregate classification (germline): Uncertain significance (1 of 4 stars; one submission).

gnomAD v4.1: 52 of 152,216 alleles (0.034%); highest among the groups gnomAD compares: Middle Eastern, 0.34%; no homozygotes.

Submission:

Greenwood Genetic Center Diagnostic Laboratories, Greenwood Genetic Center
Classification: Uncertain significance. Last evaluated: 2025-10-23. Review status: criteria provided, single submitter. Criteria: ACMG Guidelines, 2015. Collection method: clinical testing. Allele origin: germline. Affected: yes.
Comment: PM2, PM3, BP4

NM_000293.3(PHKB):c.710+2627C>T

Gene: PHKB (phosphorylase kinase regulatory subunit beta; plus strand). Cytogenetic location: 16q12.1.
Variant type: single nucleotide variant.
Coding change: c.710+2627C>T on transcript NM_000293.3 (MANE Select); 2627 bases into the intron after coding-DNA position 710, C replaced by T.
Molecular consequence: intron variant.
Genome position (GRCh38, 1-based): chr16:47,550,175, C>T. VCF-style: chr16-47550175-C-T. GRCh37 (hg19) VCF-style: chr16-47584086-C-T.
Other names: c.710+2627C>T (NM_001363837.1); c.689+2627C>T (NM_001031835.3).
Identifiers: ClinVar variation 4845598 (VCV004845598.1).